The following is an entry in ClinVar:

NM_004438.5(EPHA4):c.2266A>G (p.Ser756Gly)

Gene: EPHA4 (EPH receptor A4; minus strand). Cytogenetic location: 2q36.1.
Variant type: single nucleotide variant.
Coding change: c.2266A>G on transcript NM_004438.5 (MANE Select); coding-DNA position 2266, A replaced by G.
Protein change: p.Ser756Gly; replaces serine 756 with glycine.
Molecular consequence: missense variant.
Genome position (GRCh38, 1-based): chr2:221,436,479, T>C on the plus strand (A>G on the coding strand, the complement: EPHA4 is on the minus strand). VCF-style: chr2-221436479-T-C. GRCh37 (hg19) VCF-style: chr2-222301199-T-C.
Other names: c.2266A>G, p.Ser756Gly (NM_001304536.2, NM_001363748.2); c.2113A>G, p.Ser705Gly (NM_001304537.2); short protein forms S705G, S756G.
Identifiers: ClinVar variation 3691090 (VCV003691090.2).

ClinVar aggregate classification (germline): Uncertain significance (1 of 4 stars; one submission).

Submission:

Labcorp Genetics (formerly Invitae), Labcorp
Classification: Uncertain significance. Last evaluated: 2024-04-09. Review status: criteria provided, single submitter. Criteria: Invitae Variant Classification Sherloc (09022015). Collection method: clinical testing. Allele origin: germline.
Comment: This sequence change replaces serine, which is neutral and polar, with glycine, which is neutral and non-polar, at codon 756 of the EPHA4 protein (p.Ser756Gly). This variant is not present in population databases (gnomAD no frequency). This variant has not been reported in the literature in individuals affected with EPHA4-related conditions. Advanced modeling of protein sequence and biophysical properties (such as structural, functional, and spatial information, amino acid conservation, physicochemical variation, residue mobility, and thermodynamic stability) performed at Invitae indicates that this missense variant is not expected to disrupt EPHA4 protein function with a negative predictive value of 80%. In summary, the available evidence is currently insufficient to determine the role of this variant in disease. Therefore, it has been classified as a Variant of Uncertain Significance.